The following is an entry in ClinVar:

NM_003919.3(SGCE):c.1297+854_1297+855del

Genes: CASD1 (CAS1 domain sialic acid O acetyltransferase 1; plus strand), SGCE (sarcoglycan epsilon; minus strand). Cytogenetic location: 7q21.3.
Variant type: Deletion.
Coding change: c.1297+854_1297+855del on transcript NM_003919.3 (MANE Select); bases 854 to 855 of the intron after coding-DNA position 1297, 2 bases deleted (AT; older notation c.1297+854_1297+855delAT).
Molecular consequence: intron variant.
Genome position (GRCh38, 1-based): chr7:94,587,834-94,587,835, AT deleted on the plus strand (AT on the coding strand, the reverse complement: SGCE is on the minus strand); deleting any 2 consecutive bases within chr7:94,587,834-94,587,836 gives the same sequence; the c. name uses the placement nearest the transcript's 3' end. VCF-style (leftmost placement, unchanged base first): chr7-94587833-AAT-A. GRCh37 (hg19) VCF-style: chr7-94217145-AAT-A.
Other names: c.1147+854_1147+855del (NM_001362809.2); c.1174+854_1174+855del (NM_001301139.2); c.1270+854_1270+855del (NM_001346717.2); c.1271-23_1271-22del (NM_001099400.2); c.1372+854_1372+855del (NM_001099401.2); c.1378+854_1378+855del (NM_001346715.2); c.1405+854_1405+855del (NM_001346713.2); c.1183+854_1183+855del (NM_001362807.2); and 3 more.
Identifiers: ClinVar variation 3771276 (VCV003771276.13).

ClinVar aggregate classification (germline): Benign (1 of 4 stars; one submission).

Submission:

CeGaT Center for Human Genetics Tuebingen
Classification: Benign. Last evaluated: 2025-02-01. Review status: criteria provided, single submitter. Criteria: CeGaT Center For Human Genetics Tuebingen Variant Classification Criteria Version 2. Collection method: clinical testing. Allele origin: germline. Affected: yes. Observed: 1 variant allele.
Comment: SGCE: BS1, BS2